The following is an entry in ClinVar:

NM_024408.4(NOTCH2):c.4387_4388delinsCT (p.Trp1463Leu)

Gene: NOTCH2 (notch receptor 2; minus strand). Cytogenetic location: 1p12.
Variant type: Indel.
Coding change: c.4387_4388delinsCT on transcript NM_024408.4 (MANE Select); coding-DNA positions 4387 to 4388, TG replaced by CT.
Protein change: p.Trp1463Leu; replaces tryptophan 1463 with leucine.
Molecular consequence: missense variant.
Genome position (GRCh38, 1-based): chr1:119,925,428-119,925,429, CA replaced by AG on the plus strand (TG replaced by CT on the coding strand, the reverse complement: NOTCH2 is on the minus strand). VCF-style: chr1-119925428-CA-AG. GRCh37 (hg19) VCF-style: chr1-120468051-CA-AG.
Other names: short protein forms W1463L.
Identifiers: ClinVar variation 2856435 (VCV002856435.3), dbSNP rs2526147077, ClinGen allele CA2739275211.
Genomic context (GRCh38, chr1:119,925,428, plus strand): 5'-AGCTCATCACACTGGTTGTTGATATAATCCCAGCAGGGAAGTGGGGAGGAGCAGTTGGCC[CA>AG]GGGGTTCTCCATGGTGAGAGAACAGTCACCCCCATCCCACTGGCAGGCATGGCTGTTGCA-3'
Protein context (NP_077719.2, residues 1453-1473): GDCSLTMENP[Trp1463Leu]ANCSSPLPCW

ClinVar aggregate classification (germline): Uncertain significance (1 of 4 stars; one submission).

Conditions:
Hajdu-Cheney syndrome (HJCYS). Also called: SERPENTINE FIBULA-POLYCYSTIC KIDNEY SYNDROME; ACROOSTEOLYSIS WITH OSTEOPOROSIS AND CHANGES IN SKULL AND MANDIBLE; Acroosteolysis dominant type. Identifiers: Orphanet 955, MedGen C0917715, MONDO:0007057, OMIM 102500.

Submission:

Labcorp Genetics (formerly Invitae), Labcorp
Classification: Uncertain significance for Hajdu-Cheney syndrome. Last evaluated: 2023-09-28. Review status: criteria provided, single submitter. Criteria: Invitae Variant Classification Sherloc (09022015). Collection method: clinical testing. Allele origin: germline.
Comment: In summary, the available evidence is currently insufficient to determine the role of this variant in disease. Therefore, it has been classified as a Variant of Uncertain Significance. An algorithm developed to predict the effect of missense changes on protein structure and function (PolyPhen-2) suggests that this variant is likely to be tolerated. This variant has not been reported in the literature in individuals affected with NOTCH2-related conditions. Information on the frequency of this variant in the gnomAD database is not available, as this variant may be reported differently in the database. This sequence change replaces tryptophan, which is neutral and slightly polar, with leucine, which is neutral and non-polar, at codon 1463 of the NOTCH2 protein (p.Trp1463Leu).